The following is an entry in ClinVar:

NM_001080495.3(TNRC18):c.2386G>A (p.Ala796Thr)

Gene: TNRC18 (trinucleotide repeat containing 18; minus strand). Cytogenetic location: 7p22.1.
Variant type: single nucleotide variant.
Coding change: c.2386G>A on transcript NM_001080495.3 (MANE Select); coding-DNA position 2386, G replaced by A.
Protein change: p.Ala796Thr; replaces alanine 796 with threonine.
Molecular consequence: missense variant.
Genome position (GRCh38, 1-based): chr7:5,377,446, C>T on the plus strand (G>A on the coding strand, the complement: TNRC18 is on the minus strand). VCF-style: chr7-5377446-C-T. GRCh37 (hg19) VCF-style: chr7-5417077-C-T.
Other names: short protein forms A796T.
Identifiers: ClinVar variation 5030992 (VCV005030992.1).

ClinVar aggregate classification (germline): Uncertain significance (1 of 4 stars; one submission).

gnomAD v4.1: 71 of 1,587,414 alleles (0.0045%); highest among the groups gnomAD compares: Non-Finnish European, 0.0055%; no homozygotes.

Submission:

Ambry Genetics
Classification: Uncertain significance. Last evaluated: 2026-07-19. Review status: criteria provided, single submitter. Criteria: Ambry Variant Classification Scheme 2023. Collection method: clinical testing. Allele origin: germline.
Comment: The c.2386G>A (p.A796T) alteration is located in exon 7 (coding exon 6) of the TNRC18 gene. This alteration results from a G to A substitution at nucleotide position 2386, causing the alanine (A) at amino acid position 796 to be replaced by a threonine (T). Based on data from gnomAD, the A allele has an overall frequency of 0.003% (5/197026) total alleles studied. The highest observed frequency was 0.009% (1/10718) of African alleles. Based on insufficient or conflicting evidence, the clinical significance of this alteration remains unclear.